The following is an entry in ClinVar:

NM_000260.4(MYO7A):c.4158C>A (p.Asp1386Glu)

Gene: MYO7A (myosin VIIA; plus strand). Cytogenetic location: 11q13.5.
Variant type: single nucleotide variant.
Coding change: c.4158C>A on transcript NM_000260.4 (MANE Select); coding-DNA position 4158, C replaced by A.
Protein change: p.Asp1386Glu; replaces aspartic acid 1386 with glutamic acid.
Molecular consequence: missense variant.
Genome position (GRCh38, 1-based): chr11:77,194,359, C>A. VCF-style: chr11-77194359-C-A. GRCh37 (hg19) VCF-style: chr11-76905404-C-A.
Other names: c.4158C>A, p.Asp1386Glu (NM_001127180.2); c.4125C>A, p.Asp1375Glu (NM_001369365.1); short protein forms D1375E, D1386E.
Identifiers: ClinVar variation 1313423 (VCV001313423.6), dbSNP rs371789688, ClinGen allele CA6198363.
Genomic context (GRCh38, chr11:77,194,359, plus strand): 5'-AGGGCTTCCTGGAGGGGCCTGGGCCAATGCATGACCGAGGCCTCCCCCCACCTAGGAGGA[C>A]GACCTGGCTGAGCTGGCCTCCCAGCAGTACTTTGTAGACTATGGCTCTGAGATGATCCTG-3'
Protein context (NP_000251.3, residues 1376-1396): KFGEYRCEKE[Asp1386Glu]DLAELASQQY

ClinVar aggregate classification (germline): Uncertain significance. Review status: criteria provided, multiple submitters, no conflicts (2 of 4 stars). 4 submissions from 4 submitters: Uncertain significance (4). Last evaluated 2025-05-19.

Conditions:
MYO7A-related disorder. Also called: MYO7A-related disorders.

Allele frequency attached by ClinVar (database versions not stated): ESP Exome Variant Server 0.00008.
gnomAD v4.1: 20 of 1,611,358 alleles (0.0012%); highest among the groups gnomAD compares: Non-Finnish European, 0.0016%; no homozygotes.

Submissions (4):

PreventionGenetics, part of Exact Sciences
Classification: Uncertain significance for MYO7A-related condition. Last evaluated: 2025-05-19. Review status: criteria provided, single submitter. Criteria: ACMG Guidelines, 2015. Collection method: clinical testing. Allele origin: germline.
Comment: The MYO7A c.4158C>A variant is predicted to result in the amino acid substitution p.Asp1386Glu. To our knowledge, this variant has not been reported in the literature. This variant is reported in 0.0024% of alleles in individuals of European (Non-Finnish) descent in gnomAD. At this time, the clinical significance of this variant is uncertain due to the absence of conclusive functional and genetic evidence.

Labcorp Genetics (formerly Invitae), Labcorp
Classification: Uncertain significance. Last evaluated: 2024-03-05. Review status: criteria provided, single submitter. Criteria: Invitae Variant Classification Sherloc (09022015). Collection method: clinical testing. Allele origin: germline.
Comment: This sequence change replaces aspartic acid, which is acidic and polar, with glutamic acid, which is acidic and polar, at codon 1386 of the MYO7A protein (p.Asp1386Glu). This variant is present in population databases (rs371789688, gnomAD 0.002%). This variant has not been reported in the literature in individuals affected with MYO7A-related conditions. ClinVar contains an entry for this variant (Variation ID: 1313423). Advanced modeling of protein sequence and biophysical properties (such as structural, functional, and spatial information, amino acid conservation, physicochemical variation, residue mobility, and thermodynamic stability) performed at Invitae indicates that this missense variant is not expected to disrupt MYO7A protein function with a negative predictive value of 95%. In summary, the available evidence is currently insufficient to determine the role of this variant in disease. Therefore, it has been classified as a Variant of Uncertain Significance.

Blueprint Genetics
Classification: Uncertain significance. Last evaluated: 2022-09-19. Review status: criteria provided, single submitter. Criteria: ACMG Guidelines, 2015. Collection method: clinical testing. Allele origin: germline.

GeneDx
Classification: Uncertain significance. Last evaluated: 2020-10-23. Review status: criteria provided, single submitter. Criteria: GeneDx Variant Classification Process June 2021. Collection method: clinical testing. Allele origin: germline. Affected: yes.
Comment: In silico analysis supports that this missense variant does not alter protein structure/function; Has not been previously published as pathogenic or benign to our knowledge